The following is an entry in ClinVar:

ClinVar aggregate classification (germline): Uncertain significance (1 of 4 stars; one submission).

Conditions:
Early-infantile DEE. Also called: Ohtahara syndrome; Early infantile epileptic encephalopathy; Early infantile epileptic encephalopathy with suppression bursts. Identifiers: Orphanet 1934, MedGen C0393706, MONDO:0800491.

Allele frequency attached by ClinVar (database versions not stated): gnomAD exomes below 0.00001.

Submission:

Labcorp Genetics (formerly Invitae), Labcorp
Classification: Uncertain significance for Early-infantile DEE. Last evaluated: 2024-01-22. Review status: criteria provided, single submitter. Criteria: Invitae Variant Classification Sherloc (09022015). Collection method: clinical testing. Allele origin: germline.
Comment: This sequence change replaces methionine, which is neutral and non-polar, with valine, which is neutral and non-polar, at codon 125 of the SPTAN1 protein (p.Met125Val). This variant is not present in population databases (gnomAD no frequency). This variant has not been reported in the literature in individuals affected with SPTAN1-related conditions. ClinVar contains an entry for this variant (Variation ID: 1026390). Advanced modeling of protein sequence and biophysical properties (such as structural, functional, and spatial information, amino acid conservation, physicochemical variation, residue mobility, and thermodynamic stability) has been performed at Invitae for this missense variant, however the output from this modeling did not meet the statistical confidence thresholds required to predict the impact of this variant on SPTAN1 protein function. In summary, the available evidence is currently insufficient to determine the role of this variant in disease. Therefore, it has been classified as a Variant of Uncertain Significance.

NM_001130438.3(SPTAN1):c.373A>G (p.Met125Val)

Gene: SPTAN1 (spectrin alpha, non-erythrocytic 1; plus strand). Cytogenetic location: 9q34.11.
Variant type: single nucleotide variant.
Coding change: c.373A>G on transcript NM_001130438.3 (MANE Select); coding-DNA position 373, A replaced by G.
Protein change: p.Met125Val; replaces methionine 125 with valine.
Molecular consequence: missense variant.
Genome position (GRCh38, 1-based): chr9:128,574,684, A>G. VCF-style: chr9-128574684-A-G. GRCh37 (hg19) VCF-style: chr9-131336963-A-G.
Other names: c.373A>G, p.Met125Val (NM_001195532.2, NM_001363759.2, NM_001363765.2 and 5 more transcripts); c.409A>G, p.Met137Val (NM_001375312.2, NM_001375318.1); short protein forms M125V, M137V.
Identifiers: ClinVar variation 1026390 (VCV001026390.7), dbSNP rs1564206483, ClinGen allele CA375052412.